The following is an entry in ClinVar:

NM_004183.4(BEST1):c.700C>G (p.Leu234Val)

Gene: BEST1 (bestrophin 1; plus strand). Cytogenetic location: 11q12.3.
Variant type: single nucleotide variant.
Coding change: c.700C>G on transcript NM_004183.4 (MANE Select); coding-DNA position 700, C replaced by G.
Protein change: p.Leu234Val; replaces leucine 234 with valine.
Molecular consequence: missense variant. On other transcripts: non-coding transcript variant (1).
Genome position (GRCh38, 1-based): chr11:61,957,450, C>G. VCF-style: chr11-61957450-C-G. GRCh37 (hg19) VCF-style: chr11-61724922-C-G.
Other names: c.520C>G, p.Leu174Val (NM_001139443.3, NM_001300786.2, NM_001300787.2); c.382C>G, p.Leu128Val (NM_001363591.3); c.700C>G, p.Leu234Val (NM_001363592.2); c.-476C>G (NM_001363593.3); short protein forms L128V, L234V, L174V.
Identifiers: ClinVar variation 1503934 (VCV001503934.9), dbSNP rs2134440476, ClinGen allele CA380838876.

ClinVar aggregate classification (germline): Likely pathogenic. Review status: criteria provided, single submitter (1 of 4 stars). 2 submissions from 2 submitters: Likely pathogenic (1). 1 of the submissions does not count toward it. Last evaluated 2022-07-26.

Conditions:
Retinal dystrophy. Also called: Inherited retinal dystrophy. Identifiers: Orphanet 71862, MedGen C0854723, MeSH D058499, MONDO:0019118, HP:0000556.

Submissions (2):

Labcorp Genetics (formerly Invitae), Labcorp
Classification: Likely pathogenic. Last evaluated: 2022-07-26. Review status: criteria provided, single submitter. Criteria: Invitae Variant Classification Sherloc (09022015). Collection method: clinical testing. Allele origin: germline.
Comment: ClinVar contains an entry for this variant (Variation ID: 1503934). This missense change has been observed in individual(s) with clinical features of Best disease (Invitae). This variant is not present in population databases (gnomAD no frequency). This sequence change replaces leucine, which is neutral and non-polar, with valine, which is neutral and non-polar, at codon 234 of the BEST1 protein (p.Leu234Val). Advanced modeling of protein sequence and biophysical properties (such as structural, functional, and spatial information, amino acid conservation, physicochemical variation, residue mobility, and thermodynamic stability) performed at Invitae indicates that this missense variant is expected to disrupt BEST1 protein function. In summary, the currently available evidence indicates that the variant is pathogenic, but additional data are needed to prove that conclusively. Therefore, this variant has been classified as Likely Pathogenic. This variant disrupts the p.Leu234 amino acid residue in BEST1. Other variant(s) that disrupt this residue have been observed in individuals with BEST1-related conditions (PMID: 27193166; Invitae), which suggests that this may be a clinically significant amino acid residue.

Institute of Human Genetics, Univ. Regensburg, Univ. Regensburg
Classification: Likely pathogenic for Retinal dystrophy. Last evaluated: 2018-01-01. Review status: no assertion criteria provided. Criteria: ACMG Guidelines, 2015. Collection method: clinical testing. Allele origin: germline. Affected: yes. Not counted in ClinVar's aggregate classification.

Literature cited by the submitters: PubMed 27193166 (cited by Labcorp Genetics (formerly Invitae), Labcorp).